The following is an entry in ClinVar:

NM_001048174.2(MUTYH):c.784T>C (p.Cys262Arg)

Gene: MUTYH (mutY DNA glycosylase; minus strand). Cytogenetic location: 1p34.1.
Variant type: single nucleotide variant.
Coding change: c.784T>C on transcript NM_001048174.2 (MANE Select); coding-DNA position 784, T replaced by C.
Protein change: p.Cys262Arg; replaces cysteine 262 with arginine.
Molecular consequence: missense variant. On other transcripts: non-coding transcript variant (7).
Genome position (GRCh38, 1-based): chr1:45,332,231, A>G on the plus strand (T>C on the coding strand, the complement: MUTYH is on the minus strand). VCF-style: chr1-45332231-A-G. GRCh37 (hg19) VCF-style: chr1-45797903-A-G.
Other names: c.784T>C, p.Cys262Arg (NM_001048171.2, NM_001048173.2, NM_001293195.2 and 6 more transcripts); c.787T>C, p.Cys263Arg (NM_001048172.2, NM_001407071.1, NM_001407078.1 and 1 more transcripts); c.868T>C, p.Cys290Arg (NM_001128425.2); c.829T>C, p.Cys277Arg (NM_001293190.2); c.817T>C, p.Cys273Arg (NM_001293191.2, NM_001407069.1, NM_001407077.1); c.508T>C, p.Cys170Arg (NM_001293192.2, NM_001293196.2, NM_001407091.1); c.439T>C, p.Cys147Arg (NM_001350650.2, NM_001350651.2, NM_001407082.1); c.700T>C, p.Cys234Arg (NM_001407075.1); and 5 more; short protein forms C147R, C170R, C234R, C248R, C249R, C262R, C263R, C269R.
Identifiers: ClinVar variation 5042475 (VCV005042475.1).

ClinVar aggregate classification (germline): Likely pathogenic (1 of 4 stars; one submission).

Conditions:
Familial adenomatous polyposis 2. Also called: COLORECTAL ADENOMATOUS POLYPOSIS, AUTOSOMAL RECESSIVE; ADENOMAS, MULTIPLE COLORECTAL, AUTOSOMAL RECESSIVE; MYH-associated polyposis; FAP type 2; MUTYH-associated polyposis; MUTYH Polyposis. Identifiers: Orphanet 220460, Orphanet 247798, MedGen C3272841, MONDO:0012041, OMIM 608456.

Submission:

Myriad Genetics, Inc.
Classification: Likely pathogenic for Familial adenomatous polyposis 2. Last evaluated: 2026-08-27. Review status: criteria provided, single submitter. Criteria: Myriad Autosomal Dominant, Autosomal Recessive and X-Linked Classification Criteria (2023). Collection method: clinical testing. Allele origin: unknown.
Comment: This variant is considered likely pathogenic. Functional studies indicate this variant impacts protein function [PMID: 40738107]. This variant is expected to disrupt protein structure [Myriad internal data].

Literature cited by the submitters: PubMed 40738107.